The following is an entry in ClinVar:

ClinVar aggregate classification (germline): Uncertain significance. Review status: criteria provided, multiple submitters, no conflicts (2 of 4 stars). 2 submissions from 2 submitters: Uncertain significance (2). Last evaluated 2026-02-11.

Conditions:
Thrombocytopenia 2 (THC2). Also called: ANKRD26-Related Thrombocytopenia. Identifiers: Orphanet 268322, MedGen C1861185, MONDO:0008555, OMIM 188000.

gnomAD v4.1: 7 of 1,612,126 alleles (0.00043%); highest among the groups gnomAD compares: African/African-American, 0.0093%; no homozygotes.

Submissions (2):

St. Jude Molecular Pathology, St. Jude Children's Research Hospital
Classification: Uncertain significance for Thrombocytopenia 2. Last evaluated: 2026-02-11. Review status: criteria provided, single submitter. Criteria: St. Jude Assertion Criteria 2020. Collection method: clinical testing. Allele origin: germline.
Comment: The ANKRD26 c.4953G>A p.(Lys1651=) synonymous change has a maximum subpopulation frequency of 0.01% in gnomAD v2.1.1. This variant is not located in the 5' UTR. Algorithms that predict the impact of sequence changes on splicing indicate that this change may impact splicing. To our knowledge, this variant has not been reported in individuals with ANKRD26-related thrombocytopenia. In summary, the evidence currently available is insufficient to determine the clinical significance of this variant. It has therefore been classified as of uncertain significance.

GeneDx
Classification: Uncertain significance. Last evaluated: 2024-02-21. Review status: criteria provided, single submitter. Criteria: GeneDx Variant Classification Process June 2021. Collection method: clinical testing. Allele origin: germline. Affected: yes.
Comment: Not observed at significant frequency in large population cohorts (gnomAD); In silico analysis supports a deleterious effect on splicing; Has not been previously published as pathogenic or benign to our knowledge

NM_014915.3(ANKRD26):c.4953G>A (p.Lys1651=)

Gene: ANKRD26 (ankyrin repeat domain 26; minus strand). Cytogenetic location: 10p12.1.
Variant type: single nucleotide variant.
Coding change: c.4953G>A on transcript NM_014915.3 (MANE Select); coding-DNA position 4953, G replaced by A.
Protein change: p.Lys1651=; no amino-acid change (lysine 1651 retained).
Molecular consequence: synonymous variant.
Genome position (GRCh38, 1-based): chr10:27,012,882, C>T on the plus strand (G>A on the coding strand, the complement: ANKRD26 is on the minus strand). VCF-style: chr10-27012882-C-T. GRCh37 (hg19) VCF-style: chr10-27301811-C-T.
Other names: c.4950G>A, p.Lys1650= (NM_001256053.2).
Identifiers: ClinVar variation 3369502 (VCV003369502.2).
Genomic context (GRCh38, chr10:27,012,882, plus strand): 5'-ACAAAAAAAGAATTACATGAGAAATTTGAAACCCAAAGGAAAAAAGACAACATAACTAAC[C>T]TTGCTCAAGTAGTTCTCCATGCTATTATTTGAAGCCCGTGGATTTGAGGTAGAGATCACT-3'
Protein context (NP_055730.2, residues 1641-1661): SNNSMENYLS[Lys1651=]MQQELEKNIT